The following is an entry in ClinVar:

ClinVar aggregate classification (germline): Benign/Likely benign. Review status: criteria provided, multiple submitters, no conflicts (2 of 4 stars). 2 submissions from 2 submitters: Benign (1); Likely benign (1). Last evaluated 2025-08-30.

Conditions:
Tuberous sclerosis 1 (TSC1). Identifiers: Orphanet 805, MedGen C1854465, MONDO:0008612, OMIM 191100.
Hereditary cancer-predisposing syndrome. Also called: Neoplastic Syndromes, Hereditary; Hereditary neoplastic syndrome; Hereditary Cancer Syndrome; Tumor predisposition. Identifiers: Orphanet 140162, MedGen C0027672, MeSH D009386, MONDO:0015356.

gnomAD v4.1: 2 of 1,614,124 alleles (0.00012%); highest among the groups gnomAD compares: Non-Finnish European, 0.000085%; no homozygotes.

Submissions (2):

Ambry Genetics
Classification: Likely benign for Hereditary cancer-predisposing syndrome. Last evaluated: 2025-08-30. Review status: criteria provided, single submitter. Criteria: Ambry Variant Classification Scheme 2023. Collection method: clinical testing. Allele origin: germline.

Myriad Genetics, Inc.
Classification: Benign for Tuberous sclerosis 1. Last evaluated: 2025-04-07. Review status: criteria provided, single submitter. Criteria: Myriad Autosomal Dominant, Autosomal Recessive and X-Linked Classification Criteria (2023). Collection method: clinical testing. Allele origin: unknown.
Comment: This variant is considered benign. This variant is a silent/synonymous amino acid change and it is not expected to impact splicing.

NM_000368.5(TSC1):c.6C>T (p.Ala2=)

Gene: TSC1 (TSC complex subunit 1; minus strand). Cytogenetic location: 9q34.13.
Variant type: single nucleotide variant.
Coding change: c.6C>T on transcript NM_000368.5 (MANE Select); coding-DNA position 6, C replaced by T.
Protein change: p.Ala2=; no amino-acid change (alanine 2 retained).
Molecular consequence: synonymous variant. On other transcripts: 5 prime UTR variant (16), non-coding transcript variant (5), intron variant (2).
Genome position (GRCh38, 1-based): chr9:132,928,867, G>A on the plus strand (C>T on the coding strand, the complement: TSC1 is on the minus strand). VCF-style: chr9-132928867-G-A. GRCh37 (hg19) VCF-style: chr9-135804254-G-A.
Other names: c.-872C>T (NM_001406628.1, NM_001406626.1, NM_001406627.1); c.-1014C>T (NM_001406629.1); c.-1088C>T (NM_001406630.1); c.-153-3128C>T (NM_001406620.1, NM_001406618.1); c.6C>T, p.Ala2= (NM_001406598.1, NM_001406599.1, NM_001406600.1 and 21 more transcripts); c.-346C>T (NM_001406614.1); c.-483C>T (NM_001406615.1, NM_001406623.1); c.-450C>T (NM_001406616.1, NM_001406624.1); and 1 more.
Identifiers: ClinVar variation 4071182 (VCV004071182.2).